The following is an entry in ClinVar:

NM_000320.3(QDPR):c.18T>C (p.Ala6=)

Genes: QDPR (quinoid dihydropteridine reductase; minus strand), LOC129992304 (ATAC-STARR-seq lymphoblastoid silent region 15310; plus strand). Cytogenetic location: 4p15.32.
Variant type: single nucleotide variant.
Coding change: c.18T>C on transcript NM_000320.3 (MANE Select); coding-DNA position 18, T replaced by C.
Protein change: p.Ala6=; no amino-acid change (alanine 6 retained).
Molecular consequence: synonymous variant. On other transcripts: non-coding transcript variant (1).
Genome position (GRCh38, 1-based): chr4:17,512,037, A>G on the plus strand (T>C on the coding strand, the complement: QDPR is on the minus strand). VCF-style: chr4-17512037-A-G. GRCh37 (hg19) VCF-style: chr4-17513660-A-G.
Other names: c.18T>C, p.Ala6= (NM_001306140.2).
Identifiers: ClinVar variation 745493 (VCV000745493.12), dbSNP rs940829956, ClinGen allele CA2868260.
Genomic context (GRCh38, chr4:17,512,037, plus strand): 5'-GCATCGAGAACCCAGAGCGCCCCTGCCGCCGTACACCAGCACCCGGCGCGCCTCGCCTGC[A>G]GCCGCCGCCGCCGCCATCCTGCTCCTGCCAGCCCGGCTCCCGCAGCTCCGAATGCCTCGA-3'
Protein context (NP_000311.2, residues 1-16): MAAAA[Ala6=]AGEARRVLVY

ClinVar aggregate classification (germline): Likely benign. Review status: criteria provided, multiple submitters, no conflicts (2 of 4 stars). 4 submissions from 4 submitters: Likely benign (3). 1 of the submissions does not count toward it. Last evaluated 2026-05-01.

Conditions:
Dihydropteridine reductase deficiency (HPABH4C). Also called: Phenylketonuria II; HYPERPHENYLALANINEMIA, TETRAHYDROBIOPTERIN-DEFICIENT, DUE TO DHPR DEFICIENCY; QDPR DEFICIENCY; QUINOID DIHYDROPTERIDINE REDUCTASE DEFICIENCY; DHPR DEFICIENCY; BH4-Deficient Hyperphenylalaninemia C. Identifiers: Orphanet 226, Orphanet 238583, MedGen C0268465, MONDO:0009862, OMIM 261630.
QDPR-related disorder. Also called: QDPR-related condition.

Allele frequency attached by ClinVar (database versions not stated): TOPMed 0.00002; gnomAD 0.00010 and 0.00012; gnomAD exomes 0.00013; ExAC 0.00015.

Submissions (4):

CeGaT Center for Human Genetics Tuebingen
Classification: Likely benign. Last evaluated: 2026-05-01. Review status: criteria provided, single submitter. Criteria: CeGaT Center For Human Genetics Tuebingen Variant Classification Criteria Version 2. Collection method: clinical testing. Allele origin: germline. Affected: yes. Observed: 1 variant allele.
Comment: QDPR: BP4, BP7

Labcorp Genetics (formerly Invitae), Labcorp
Classification: Likely benign for Dihydropteridine reductase deficiency. Last evaluated: 2026-01-11. Review status: criteria provided, single submitter. Criteria: Invitae Variant Classification Sherloc (09022015). Collection method: clinical testing. Allele origin: germline.

Blueprint Genetics
Classification: Likely benign. Last evaluated: 2024-11-20. Review status: criteria provided, single submitter. Criteria: ACMG Guidelines, 2015. Collection method: clinical testing. Allele origin: germline.

PreventionGenetics, part of Exact Sciences
Classification: Likely benign for QDPR-related condition. Last evaluated: 2019-06-27. Review status: no assertion criteria provided. Collection method: clinical testing. Allele origin: germline. Not counted in ClinVar's aggregate classification.
Comment: This variant is classified as likely benign based on ACMG/AMP sequence variant interpretation guidelines (Richards et al. 2015 PMID: 25741868, with internal and published modifications).